The following is an entry in ClinVar:

NM_001191061.2(SLC25A22):c.416C>G (p.Ala139Gly)

Gene: SLC25A22 (solute carrier family 25 member 22; minus strand). Cytogenetic location: 11p15.5.
Variant type: single nucleotide variant.
Coding change: c.416C>G on transcript NM_001191061.2 (MANE Select); coding-DNA position 416, C replaced by G.
Protein change: p.Ala139Gly; replaces alanine 139 with glycine.
Molecular consequence: missense variant.
Genome position (GRCh38, 1-based): chr11:792,724, G>C on the plus strand (C>G on the coding strand, the complement: SLC25A22 is on the minus strand). VCF-style: chr11-792724-G-C. GRCh37 (hg19) VCF-style: chr11-792724-G-C.
Other names: c.416C>G, p.Ala139Gly (NM_001191060.2, NM_024698.6); short protein forms A139G.
Identifiers: ClinVar variation 1505219 (VCV001505219.4), dbSNP rs974302832, ClinGen allele CA378970273.

ClinVar aggregate classification (germline): Uncertain significance (1 of 4 stars; one submission).

Conditions:
Developmental and epileptic encephalopathy. Identifiers: MedGen C5779964, MONDO:0100620.

Allele frequency attached by ClinVar (database versions not stated): TOPMed below 0.00001; gnomAD 0.00001.
gnomAD v4.1: 1 of 1,546,522 alleles (0.000065%); highest among the groups gnomAD compares: African/African-American, 0.0014%; no homozygotes.

Submission:

Labcorp Genetics (formerly Invitae), Labcorp
Classification: Uncertain significance for Early-infantile DEE. Last evaluated: 2021-11-23. Review status: criteria provided, single submitter. Criteria: Invitae Variant Classification Sherloc (09022015). Collection method: clinical testing. Allele origin: germline.
Comment: This sequence change replaces alanine, which is neutral and non-polar, with glycine, which is neutral and non-polar, at codon 139 of the SLC25A22 protein (p.Ala139Gly). This variant is not present in population databases (gnomAD no frequency). This variant has not been reported in the literature in individuals affected with SLC25A22-related conditions. Algorithms developed to predict the effect of missense changes on protein structure and function are either unavailable or do not agree on the potential impact of this missense change (SIFT: "Tolerated"; PolyPhen-2: "Possibly Damaging"; Align-GVGD: "Class C0"). In summary, the available evidence is currently insufficient to determine the role of this variant in disease. Therefore, it has been classified as a Variant of Uncertain Significance.